The following is an entry in ClinVar:

NM_018062.4(FANCL):c.616G>T (p.Glu206Ter)

Gene: FANCL (FA complementation group L; minus strand). Cytogenetic location: 2p16.1.
Variant type: single nucleotide variant.
Coding change: c.616G>T on transcript NM_018062.4 (MANE Select); coding-DNA position 616, G replaced by T.
Protein change: p.Glu206Ter; replaces glutamic acid 206 with a stop codon.
Molecular consequence: nonsense.
Genome position (GRCh38, 1-based): chr2:58,165,799, C>A on the plus strand (G>T on the coding strand, the complement: FANCL is on the minus strand). VCF-style: chr2-58165799-C-A. GRCh37 (hg19) VCF-style: chr2-58392934-C-A.
Other names: c.631G>T, p.Glu211Ter (NM_001114636.2); c.661G>T, p.Glu221Ter (NM_001374615.1); c.676G>T, p.Glu226Ter (NM_001410792.1); short protein forms E221*, E206*, E211*, E226*.
Identifiers: ClinVar variation 2992930 (VCV002992930.3), dbSNP rs1035067325, ClinGen allele CA346937346.

ClinVar aggregate classification (germline): Pathogenic (1 of 4 stars; one submission).

Conditions:
Fanconi anemia (FA). Also called: Fanconi's anemia. Identifiers: Orphanet 84, MedGen C0015625, MeSH D005199, MONDO:0019391.

Submission:

Labcorp Genetics (formerly Invitae), Labcorp
Classification: Pathogenic for Fanconi anemia. Last evaluated: 2023-06-06. Review status: criteria provided, single submitter. Criteria: Invitae Variant Classification Sherloc (09022015). Collection method: clinical testing. Allele origin: germline.
Comment: This sequence change creates a premature translational stop signal (p.Glu206*) in the FANCL gene. It is expected to result in an absent or disrupted protein product. Loss-of-function variants in FANCL are known to be pathogenic (PMID: 19405097, 23613520). This variant is not present in population databases (gnomAD no frequency). This variant has not been reported in the literature in individuals affected with FANCL-related conditions. For these reasons, this variant has been classified as Pathogenic.

Literature cited by the submitters: PubMed 19405097; PubMed 23613520.